The following is an entry in ClinVar:

NC_000023.10:g.(?_31697472)_(31897527_?)del

Gene: DMD (dystrophin; minus strand). Cytogenetic location: Xp21.1.
Variant type: Deletion.
Identifiers: ClinVar variation 3248226 (VCV003248226.1).

ClinVar aggregate classification (germline): Pathogenic (1 of 4 stars; one submission).

Conditions:
Duchenne muscular dystrophy (DMD). Also called: MUSCULAR DYSTROPHY, PSEUDOHYPERTROPHIC PROGRESSIVE, DUCHENNE TYPE; Duchenne Muscular Dystrophy (DMD). Identifiers: Orphanet 98896, MedGen C0013264, MONDO:0010679, OMIM 310200.

Submission:

Labcorp Genetics (formerly Invitae), Labcorp
Classification: Pathogenic for Duchenne muscular dystrophy. Last evaluated: 2023-12-01. Review status: criteria provided, single submitter. Criteria: Invitae Variant Classification Sherloc (09022015). Collection method: clinical testing. Allele origin: unknown.
Comment: This variant is a gross deletion of the genomic region encompassing exon(s) 48-53 of the DMD gene. This variant would be expected to be in-frame, preserving the integrity of the reading frame. A similar copy number variant has been observed in individuals with Duchenne or Becker muscular dystrophy and dilated cardiomyopathy without muscular dystrophy (PMID: 10841222, 17854090, 18663755, 19907931). For these reasons, this variant has been classified as Pathogenic.

Literature cited by the submitters: PubMed 10841222; PubMed 17854090; PubMed 18663755; PubMed 19907931.